The following is an entry in ClinVar:

ClinVar aggregate classification (germline): Uncertain significance (1 of 4 stars; one submission).

Conditions:
Charcot-Marie-Tooth disease type 2. Also called: Charcot-Marie-Tooth type 2. Identifiers: Orphanet 64746, MedGen C0270914, MONDO:0018993.

Allele frequency attached by ClinVar (database versions not stated): gnomAD 0.00003; gnomAD exomes 0.00001 and 0.00002; TOPMed below 0.00001; ExAC 0.00002.
gnomAD v4.1: 8 of 1,614,242 alleles (0.0005%); highest among the groups gnomAD compares: Admixed American, 0.01%; no homozygotes.

Submission:

Labcorp Genetics (formerly Invitae), Labcorp
Classification: Uncertain significance for Charcot-Marie-Tooth disease type 2. Last evaluated: 2024-09-04. Review status: criteria provided, single submitter. Criteria: Invitae Variant Classification Sherloc (09022015). Collection method: clinical testing. Allele origin: germline.
Comment: This sequence change replaces glutamine, which is neutral and polar, with lysine, which is basic and polar, at codon 728 of the MFN2 protein (p.Gln728Lys). This variant is present in population databases (rs761544980, gnomAD 0.02%). This variant has not been reported in the literature in individuals affected with MFN2-related conditions. ClinVar contains an entry for this variant (Variation ID: 543241). Invitae Evidence Modeling of protein sequence and biophysical properties (such as structural, functional, and spatial information, amino acid conservation, physicochemical variation, residue mobility, and thermodynamic stability) indicates that this missense variant is expected to disrupt MFN2 protein function with a positive predictive value of 95%. In summary, the available evidence is currently insufficient to determine the role of this variant in disease. Therefore, it has been classified as a Variant of Uncertain Significance.

NM_014874.4(MFN2):c.2182C>A (p.Gln728Lys)

Gene: MFN2 (mitofusin 2; plus strand). Cytogenetic location: 1p36.22.
Variant type: single nucleotide variant.
Coding change: c.2182C>A on transcript NM_014874.4 (MANE Select); coding-DNA position 2182, C replaced by A.
Protein change: p.Gln728Lys; replaces glutamine 728 with lysine.
Molecular consequence: missense variant.
Genome position (GRCh38, 1-based): chr1:12,009,704, C>A. VCF-style: chr1-12009704-C-A. GRCh37 (hg19) VCF-style: chr1-12069761-C-A.
Other names: c.2182C>A, p.Gln728Lys (NM_001127660.2); short protein forms Q728K.
Identifiers: ClinVar variation 543241 (VCV000543241.8), dbSNP rs761544980, ClinGen allele CA599353.